The following is an entry in ClinVar:

NM_001349338.3(FOXP1):c.180+6G>A

Gene: FOXP1 (forkhead box P1; minus strand). Cytogenetic location: 3p13.
Variant type: single nucleotide variant.
Coding change: c.180+6G>A on transcript NM_001349338.3 (MANE Select); 6 bases into the intron after coding-DNA position 180, G replaced by A.
Molecular consequence: intron variant.
Genome position (GRCh38, 1-based): chr3:71,198,196, C>T on the plus strand (G>A on the coding strand, the complement: FOXP1 is on the minus strand). VCF-style: chr3-71198196-C-T. GRCh37 (hg19) VCF-style: chr3-71247347-C-T.
Other names: c.180+6G>A (NM_001244810.2, NM_032682.6, NM_001349340.3 and 6 more transcripts).
Identifiers: ClinVar variation 3694990 (VCV003694990.2).

ClinVar aggregate classification (germline): Uncertain significance (1 of 4 stars; one submission).

Submission:

Labcorp Genetics (formerly Invitae), Labcorp
Classification: Uncertain significance. Last evaluated: 2025-06-02. Review status: criteria provided, single submitter. Criteria: Invitae Variant Classification Sherloc (09022015). Collection method: clinical testing. Allele origin: germline.
Comment: This sequence change falls in intron 6 of the FOXP1 gene. It does not directly change the encoded amino acid sequence of the FOXP1 protein. It affects a nucleotide within the consensus splice site. This variant is not present in population databases (gnomAD no frequency). This variant has not been reported in the literature in individuals affected with FOXP1-related conditions. ClinVar contains an entry for this variant (Variation ID: 3694990). Variants that disrupt the consensus splice site are a relatively common cause of aberrant splicing (PMID: 17576681, 9536098). Algorithms developed to predict the effect of sequence changes on RNA splicing suggest that this variant is not likely to affect RNA splicing. In summary, the available evidence is currently insufficient to determine the role of this variant in disease. Therefore, it has been classified as a Variant of Uncertain Significance.

Literature cited by the submitters: PubMed 17576681; PubMed 9536098.